The following is an entry in ClinVar:

NM_000540.3(RYR1):c.10587C>G (p.Asp3529Glu)

Gene: RYR1 (ryanodine receptor 1; plus strand). Cytogenetic location: 19q13.2.
Variant type: single nucleotide variant.
Coding change: c.10587C>G on transcript NM_000540.3 (MANE Select); coding-DNA position 10587, C replaced by G.
Protein change: p.Asp3529Glu; replaces aspartic acid 3529 with glutamic acid.
Molecular consequence: missense variant.
Genome position (GRCh38, 1-based): chr19:38,525,463, C>G. VCF-style: chr19-38525463-C-G. GRCh37 (hg19) VCF-style: chr19-39016103-C-G.
Other names: c.10572C>G, p.Asp3524Glu (NM_001042723.2); short protein forms D3524E, D3529E.
Identifiers: ClinVar variation 2164208 (VCV002164208.2), dbSNP rs1299246889, ClinGen allele CA405643887.
Genomic context (GRCh38, chr19:38,525,463, plus strand): 5'-GATCGTGGCCACACTGAAGAAGATGCTGCCCATCGGCCTGAATATGTGTGCGCCCACCGA[C>G]CAAGACCTCATCACGCTGGCCAAGACCCGTTACGCCCTGGTGCCTGCCCAGCCCCGTCCT-3'
Protein context (NP_000531.2, residues 3519-3539): PIGLNMCAPT[Asp3529Glu]QDLITLAKTR

ClinVar aggregate classification (germline): Uncertain significance. Review status: criteria provided, multiple submitters, no conflicts (2 of 4 stars). 2 submissions from 2 submitters: Uncertain significance (2). Last evaluated 2025-06-29.

Conditions:
Malignant hyperthermia, susceptibility to, 1 (MHS1). Also called: RYR1-Related Malignant Hyperthermia Susceptibility; Malignant hyperthermia suceptibility 1; Anesthesia related hyperthermia; Malignant hyperpyrexia; Fulminating hyperpyrexia; Pharmacogenic myopathy. Identifiers: Orphanet 423, MedGen C2930980, MONDO:0007783, OMIM 145600.
RYR1-related disorder. Also called: RYR1-related condition; RYR1-related disorders. Identifiers: MedGen CN239331.

gnomAD v4.1: 1 of 1,613,998 alleles (0.000062%); highest among the groups gnomAD compares: Non-Finnish European, 0.000085%; no homozygotes.

Submissions (2):

Color Diagnostics, LLC DBA Color Health
Classification: Uncertain significance for Malignant hyperthermia, susceptibility to, 1. Last evaluated: 2025-06-29. Review status: criteria provided, single submitter. Criteria: ACMG Guidelines, 2015. Collection method: clinical testing. Allele origin: germline.
Comment: This missense variant replaces aspartic acid with glutamic acid at codon 3529 of the RYR1 protein. Computational prediction is inconclusive regarding the impact of this variant on protein structure and function. To our knowledge, functional studies have not been reported for this variant. This variant has not been reported in individuals affected with RYR1-related disorders in the literature. This variant has been identified in 1/251188 chromosomes in the general population by the Genome Aggregation Database (gnomAD). The available evidence is insufficient to determine the role of this variant in disease conclusively. Therefore, this variant is classified as a Variant of Uncertain Significance.

Labcorp Genetics (formerly Invitae), Labcorp
Classification: Uncertain significance for RYR1-related disorder. Last evaluated: 2022-09-10. Review status: criteria provided, single submitter. Criteria: Invitae Variant Classification Sherloc (09022015). Collection method: clinical testing. Allele origin: germline.
Comment: This sequence change replaces aspartic acid, which is acidic and polar, with glutamic acid, which is acidic and polar, at codon 3529 of the RYR1 protein (p.Asp3529Glu). This variant is present in population databases (no rsID available, gnomAD 0.0009%). This variant has not been reported in the literature in individuals affected with RYR1-related conditions. Advanced modeling of protein sequence and biophysical properties (such as structural, functional, and spatial information, amino acid conservation, physicochemical variation, residue mobility, and thermodynamic stability) has been performed at Invitae for this missense variant, however the output from this modeling did not meet the statistical confidence thresholds required to predict the impact of this variant on RYR1 protein function. In summary, the available evidence is currently insufficient to determine the role of this variant in disease. Therefore, it has been classified as a Variant of Uncertain Significance.